The following is an entry in ClinVar:

NM_019098.5(CNGB3):c.2163_2168del (p.Lys721_Glu722del)

Gene: CNGB3 (cyclic nucleotide gated channel subunit beta 3; minus strand). Cytogenetic location: 8q21.3.
Variant type: Deletion.
Coding change: c.2163_2168del on transcript NM_019098.5 (MANE Select); coding-DNA positions 2163 to 2168, 6 bases deleted (AGAAAA; older notation c.2163_2168delAGAAAA).
Protein change: p.Lys721_Glu722del.
Molecular consequence: inframe deletion.
Genome position (GRCh38, 1-based): chr8:86,576,066-86,576,071, TTTTCT deleted on the plus strand (AGAAAA on the coding strand, the reverse complement: CNGB3 is on the minus strand); deleting any 6 consecutive bases within chr8:86,576,066-86,576,075 gives the same sequence; the c. name uses the placement nearest the transcript's 3' end. VCF-style (leftmost placement, unchanged base first): chr8-86576065-ATTTTCT-A. GRCh37 (hg19) VCF-style: chr8-87588293-ATTTTCT-A.
Identifiers: ClinVar variation 5003716 (VCV005003716.1).

ClinVar aggregate classification (germline): Uncertain significance (1 of 4 stars; one submission).

Conditions:
Achromatopsia 3 (ACHM3). Also called: PINGELAPESE BLINDNESS; TOTAL COLORBLINDNESS WITH MYOPIA; ROD MONOCHROMACY 1; ROD MONOCHROMATISM 1; ACHROMATOPSIA WITH MYOPIA. Identifiers: Orphanet 49382, MedGen C1849792, MONDO:0009875, OMIM 262300.

Submission:

Myriad Genetics, Inc.
Classification: Uncertain significance for Achromatopsia 3. Last evaluated: 2026-07-02. Review status: criteria provided, single submitter. Criteria: Myriad Autosomal Dominant, Autosomal Recessive and X-Linked Classification Criteria (2023). Collection method: clinical testing. Allele origin: unknown.
Comment: NM_019098.4(CNGB3):c.2163_2168del6(K721_E722del) is an in-frame deletion classified as a variant of uncertain significance in the context of achromatopsia, CNGB3-related. K721_E722del has not been observed in cases with relevant disease. Relevant functional assessments of this variant are not available in the literature. K721_E722del has not been observed in referenced population frequency databases. In summary, there is insufficient evidence to classify NM_019098.4(CNGB3):c.2163_2168del6(K721_E722del) as pathogenic or benign. Please note: this variant was assessed in the context of healthy population screening.